The following is an entry in ClinVar:

ClinVar aggregate classification (germline): Pathogenic. Review status: criteria provided, multiple submitters, no conflicts (2 of 4 stars). 4 submissions from 4 submitters: Pathogenic (4). Last evaluated 2026-03-09.

Conditions:
Cystic fibrosis (CF). Also called: MUCOVISCIDOSIS. Identifiers: Orphanet 586, MedGen C0010674, MONDO:0009061, OMIM 219700. Disease mechanism: loss of function.
CFTR-related disorder (CFTR-RD). Also called: CFTR-related disorders; CFTR-related condition. Identifiers: MedGen C5924204, MONDO:7770004.

Submissions (4):

Women's Health and Genetics/Laboratory Corporation of America, LabCorp
Classification: Pathogenic for Cystic fibrosis. Last evaluated: 2026-03-09. Review status: criteria provided, single submitter. Criteria: LabCorp Variant Classification Summary - May 2015. Collection method: clinical testing. Allele origin: germline.
Comment: Variant summary: CFTR c.959delT (p.Leu320TyrfsX8) results in a premature termination codon, predicted to cause a truncation of the encoded protein or absence of the protein due to nonsense mediated decay, which are commonly known mechanisms for disease. The variant was absent in 251276 control chromosomes. c.959delT has been observed in individual(s) affected with Cystic Fibrosis (example, Feuillet-Fieux_2000). The following publication has been ascertained in the context of this evaluation (PMID: 10874326). ClinVar contains an entry for this variant (Variation ID: 818120). Based on the evidence outlined above, the variant was classified as pathogenic.

Natera, Inc.
Classification: Pathogenic for CFTR-related disorders. Last evaluated: 2025-08-07. Review status: criteria provided, single submitter. Criteria: Natera Variant Classification Schema (03/2026). Collection method: clinical testing. Allele origin: germline.
Comment: The c.959delT variant in CFTR is a frameshift variant predicted to shift the reading frame beginning at codon 320 and leads to a stop codon 8 codons downstream. This variant is expected to result in nonsense mediated decay, truncation, or a dysfunctional protein product. This variant is rare in the general population with a frequency below the threshold expected for the associated phenotype(s). This variant has been observed in one or more individuals affected with the associated recessive disease, as either homozygous or compound heterozygous with a second variant (PMID: 10874326). Given the available evidence, this variant is classified as Pathogenic.

Ambry Genetics
Classification: Pathogenic for Cystic fibrosis. Last evaluated: 2019-12-09. Review status: criteria provided, single submitter. Criteria: Ambry Variant Classification Scheme 2023. Collection method: clinical testing. Allele origin: germline.
Comment: The c.959delT pathogenic mutation, located in coding exon 8 of the CFTR gene, results from a deletion of one nucleotide at nucleotide position 959, causing a translational frameshift with a predicted alternate stop codon (p.L320Yfs*8). This mutation was reported in one individual with cystic fibrosis in conjunction with p.F508del (Feuillet-Fieux MN et al. Hum. Mutat., 2000 Jul;16:95). In addition to the clinical data presented in the literature, this alteration is expected to result in loss of function by premature protein truncation or nonsense-mediated mRNA decay. As such, this alteration is interpreted as a disease-causing mutation.

CFTR-France
Classification: Pathogenic for cystic fibrosis. Last evaluated: 2018-01-29. Review status: criteria provided, single submitter. Criteria: Claustres M et al. (Hum Mutat 2017). Collection method: curation. Allele origin: germline. Affected: yes.

Literature cited by the submitters: PubMed 10874326 (cited by 3 submitters).

NM_000492.4(CFTR):c.959del (p.Leu320fs)

Gene: CFTR (CF transmembrane conductance regulator; plus strand). Cytogenetic location: 7q31.2.
Variant type: Deletion.
Coding change: c.959del on transcript NM_000492.4 (MANE Select); coding-DNA position 959, one base deleted (T; older notation c.959delT).
Protein change: p.Leu320fs; shifts the reading frame from leucine 320.
Molecular consequence: frameshift variant.
Genome position (GRCh38, 1-based): chr7:117,540,189, T deleted; the last of 5 consecutive T bases (chr7:117,540,185-117,540,189); deleting any one gives the same sequence. VCF-style (leftmost placement, unchanged base first): chr7-117540184-GT-G. GRCh37 (hg19) VCF-style: chr7-117180238-GT-G.
Other names: c.959delT (NM_000492.4); short protein forms L320fs.
Identifiers: ClinVar variation 818120 (VCV000818120.5), dbSNP rs1584789267, ClinGen allele CA915945467.
Genomic context (GRCh38, chr7:117,540,184, plus strand): 5'-GGCAGCCTATGTGAGATACTTCAATAGCTCAGCCTTCTTCTTCTCAGGGTTCTTTGTGGT[GT>G]TTTTATCTGTGCTTCCCTATGCACTAATCAAAGGAATCATCCTCCGGAAAATATTCACCA-3'